The following is an entry in ClinVar:

NC_000016.9:g.(?_28495307)_(28495459_?)del

Gene: CLN3 (CLN3 lysosomal/endosomal transmembrane protein, battenin; minus strand). Cytogenetic location: 16p11.2.
Variant type: Deletion.
Identifiers: ClinVar variation 1417871 (VCV001417871.4).

ClinVar aggregate classification (germline): Pathogenic (1 of 4 stars; one submission).

Conditions:
Neuronal ceroid lipofuscinosis. Also called: Neuronal Ceroid Lipofuscinoses. Identifiers: Orphanet 216, Orphanet 79263, MedGen C0027877, MONDO:0016295. Disease mechanism: loss of function.

Submission:

Labcorp Genetics (formerly Invitae), Labcorp
Classification: Pathogenic for Neuronal ceroid lipofuscinosis. Last evaluated: 2023-06-11. Review status: criteria provided, single submitter. Criteria: Invitae Variant Classification Sherloc (09022015). Collection method: clinical testing. Allele origin: germline.
Comment: This variant is a gross deletion of the genomic region encompassing exon(s) 10 of the CLN3 gene. This deletion is out-of-frame, and is expected to create a premature termination codon and result in an absent or disrupted protein product. Loss-of-function variants in CLN3 are known to be pathogenic (PMID: 9311735, 28542676). For these reasons, this variant has been classified as Pathogenic. This variant has not been reported in the literature in individuals affected with CLN3-related conditions.

Literature cited by the submitters: PubMed 9311735; PubMed 28542676.